The following is an entry in ClinVar:

NM_003482.4(KMT2D):c.15035T>C (p.Phe5012Ser)

Gene: KMT2D (lysine methyltransferase 2D; minus strand). Cytogenetic location: 12q13.12.
Variant type: single nucleotide variant.
Coding change: c.15035T>C on transcript NM_003482.4 (MANE Select); coding-DNA position 15035, T replaced by C.
Protein change: p.Phe5012Ser; replaces phenylalanine 5012 with serine.
Molecular consequence: missense variant.
Genome position (GRCh38, 1-based): chr12:49,026,931, A>G on the plus strand (T>C on the coding strand, the complement: KMT2D is on the minus strand). VCF-style: chr12-49026931-A-G. GRCh37 (hg19) VCF-style: chr12-49420714-A-G.
Other names: short protein forms F5012S.
Identifiers: ClinVar variation 4984081 (VCV004984081.2).

ClinVar aggregate classification (germline): Uncertain significance. Review status: criteria provided, multiple submitters, no conflicts (2 of 4 stars). 2 submissions from 2 submitters: Uncertain significance (2). Last evaluated 2026-08-04.

Conditions:
Inborn genetic diseases. Identifiers: MedGen C0950123, MeSH D030342.
KMT2D-related disorder. Also called: KMT2D-Related Disorders.

Submissions (2):

Ambry Genetics
Classification: Uncertain significance for Inborn genetic diseases. Last evaluated: 2026-08-04. Review status: criteria provided, single submitter. Criteria: Ambry Variant Classification Scheme 2023. Collection method: clinical testing. Allele origin: germline.

PreventionGenetics, part of Exact Sciences
Classification: Uncertain significance for KMT2D-related condition. Last evaluated: 2024-12-13. Review status: criteria provided, single submitter. Criteria: ACMG Guidelines, 2015. Collection method: clinical testing. Allele origin: germline.
Comment: The KMT2D c.15035T>C variant is predicted to result in the amino acid substitution p.Phe5012Ser. To our knowledge, this variant has not been reported in the literature or in a large population database (gnomAD), indicating this variant is rare. At this time, the clinical significance of this variant is uncertain due to the absence of conclusive functional and genetic evidence.